The following is an entry in ClinVar:

ClinVar aggregate classification (germline): Uncertain significance. Review status: criteria provided, multiple submitters, no conflicts (2 of 4 stars). 2 submissions from 2 submitters: Uncertain significance (2). Last evaluated 2024-09-30.

Conditions:
Left ventricular noncompaction 8 (LVNC8). Identifiers: Orphanet 154, Orphanet 54260, MedGen C3809288, MONDO:0014152, OMIM 615373.

Allele frequency attached by ClinVar (database versions not stated): gnomAD exomes below 0.00001.
gnomAD v4.1: 1 of 1,613,758 alleles (0.000062%); highest among the groups gnomAD compares: Non-Finnish European, 0.000085%; no homozygotes.

Submissions (2):

GeneDx
Classification: Uncertain significance. Last evaluated: 2024-09-30. Review status: criteria provided, single submitter. Criteria: GeneDx Variant Classification Process June 2021. Collection method: clinical testing. Allele origin: germline.
Comment: Not observed at significant frequency in large population cohorts (gnomAD); In silico analysis supports that this missense variant has a deleterious effect on protein structure/function; Has not been previously published as pathogenic or benign to our knowledge

Labcorp Genetics (formerly Invitae), Labcorp
Classification: Uncertain significance for Left ventricular noncompaction 8. Last evaluated: 2021-12-17. Review status: criteria provided, single submitter. Criteria: Invitae Variant Classification Sherloc (09022015). Collection method: clinical testing. Allele origin: germline.
Comment: Algorithms developed to predict the effect of missense changes on protein structure and function (SIFT, PolyPhen-2, Align-GVGD) all suggest that this variant is likely to be tolerated. In summary, the available evidence is currently insufficient to determine the role of this variant in disease. Therefore, it has been classified as a Variant of Uncertain Significance. This variant has not been reported in the literature in individuals affected with PRDM16-related conditions. This variant is not present in population databases (gnomAD no frequency). This sequence change replaces asparagine, which is neutral and polar, with serine, which is neutral and polar, at codon 965 of the PRDM16 protein (p.Asn965Ser).

NM_022114.4(PRDM16):c.2894A>G (p.Asn965Ser)

Gene: PRDM16 (PR/SET domain 16; plus strand). Cytogenetic location: 1p36.32.
Variant type: single nucleotide variant.
Coding change: c.2894A>G on transcript NM_022114.4 (MANE Select); coding-DNA position 2894, A replaced by G.
Protein change: p.Asn965Ser; replaces asparagine 965 with serine.
Molecular consequence: missense variant.
Genome position (GRCh38, 1-based): chr1:3,418,699, A>G. VCF-style: chr1-3418699-A-G. GRCh37 (hg19) VCF-style: chr1-3335263-A-G.
Other names: c.2894A>G (NM_022114.3); c.2894A>G, p.Asn965Ser (NM_199454.3); short protein forms N965S.
Identifiers: ClinVar variation 1469628 (VCV001469628.8), dbSNP rs2100677668, ClinGen allele CA338001746.